The following is an entry in ClinVar:

ClinVar aggregate classification (germline): Uncertain significance (1 of 4 stars; one submission).

Allele frequency attached by ClinVar (database versions not stated): gnomAD exomes below 0.00001.
gnomAD v4.1: 2 of 1,211,363 alleles (0.00017%); highest among the groups gnomAD compares: South Asian, 0.0035%; no homozygotes.

Submission:

GeneDx
Classification: Uncertain significance. Last evaluated: 2022-09-29. Review status: criteria provided, single submitter. Criteria: GeneDx Variant Classification Process June 2021. Collection method: clinical testing. Allele origin: germline. Affected: yes.
Comment: Not observed at significant frequency in large population cohorts (gnomAD); In silico analysis supports that this missense variant has a deleterious effect on protein structure/function; Has not been previously published as pathogenic or benign to our knowledge

NM_001110556.2(FLNA):c.4172C>G (p.Ala1391Gly)

Gene: FLNA (filamin A; minus strand). Cytogenetic location: Xq28.
Variant type: single nucleotide variant.
Coding change: c.4172C>G on transcript NM_001110556.2 (MANE Select); coding-DNA position 4172, C replaced by G.
Protein change: p.Ala1391Gly; replaces alanine 1391 with glycine.
Molecular consequence: missense variant.
Genome position (GRCh38, 1-based): chrX:154,359,377, G>C on the plus strand (C>G on the coding strand, the complement: FLNA is on the minus strand). VCF-style: chrX-154359377-G-C. GRCh37 (hg19) VCF-style: chrX-153587745-G-C.
Other names: c.4172C>G, p.Ala1391Gly (NM_001456.4); short protein forms A1391G.
Identifiers: ClinVar variation 2446648 (VCV002446648.1), dbSNP rs2522738230, ClinGen allele CA415218850.
Genomic context (GRCh38, chrX:154,359,377, plus strand): 5'-GAGCAGCTGCCGTCCTTGTTATCCATGCAGGACATCTTGGCCTCGGAGGGGCCCTCTACA[G>C]CCAGGCCCAGGCCGCCCGTGCCAGCTCCCCTGGTCCAAACAGACAGCCGGTCATTCCTGG-3'
Protein context (NP_001104026.1, residues 1381-1401): RGAGTGGLGL[Ala1391Gly]VEGPSEAKMS